The following is an entry in ClinVar:

NM_001048174.2(MUTYH):c.1141T>C (p.Trp381Arg)

Gene: MUTYH (mutY DNA glycosylase; minus strand). Cytogenetic location: 1p34.1.
Variant type: single nucleotide variant.
Coding change: c.1141T>C on transcript NM_001048174.2 (MANE Select); coding-DNA position 1141, T replaced by C.
Protein change: p.Trp381Arg; replaces tryptophan 381 with arginine.
Molecular consequence: missense variant. On other transcripts: non-coding transcript variant (2).
Genome position (GRCh38, 1-based): chr1:45,331,518, A>G on the plus strand (T>C on the coding strand, the complement: MUTYH is on the minus strand). VCF-style: chr1-45331518-A-G. GRCh37 (hg19) VCF-style: chr1-45797190-A-G.
Other names: c.1141T>C, p.Trp381Arg (NM_001048171.2, NM_001048173.2, NM_001293195.2 and 6 more transcripts); c.1144T>C, p.Trp382Arg (NM_001048172.2, NM_001407071.1, NM_001407078.1 and 1 more transcripts); c.1225T>C, p.Trp409Arg (NM_001128425.2); c.1186T>C, p.Trp396Arg (NM_001293190.2); c.1174T>C, p.Trp392Arg (NM_001293191.2, NM_001407069.1, NM_001407077.1); c.865T>C, p.Trp289Arg (NM_001293192.2, NM_001293196.2, NM_001407091.1); c.796T>C, p.Trp266Arg (NM_001350650.2, NM_001350651.2, NM_001407082.1); c.1057T>C, p.Trp353Arg (NM_001407075.1); and 5 more; short protein forms W289R, W353R, W382R, W388R, W396R, W367R, W368R, W392R.
Identifiers: ClinVar variation 1754203 (VCV001754203.4), dbSNP rs2523965164, ClinGen allele CA340133052.
Genomic context (GRCh38, chr1:45,331,518, plus strand): 5'-CAGCCCAACGCTGTAGTTCCTGCAGCAGGGCCTTGCGCTGAAGCTGCTCTGAGGGCTCCC[A>G]GGTCACGGACGGGAACTCCCACAGTCCTGCCAGCAGACCTGAGAGGGAGGGCAGCCAGGC-3'
Protein context (NP_001041639.1, residues 371-391): AGLWEFPSVT[Trp381Arg]EPSEQLQRKA

ClinVar aggregate classification (germline): Conflicting classifications of pathogenicity. Review status: criteria provided, conflicting classifications (1 of 4 stars). 2 submissions from 2 submitters: Uncertain significance (1); Benign (1). Last evaluated 2025-12-06.

Conditions:
Familial adenomatous polyposis 2. Also called: MUTYH-associated polyposis; MUTYH-related attenuated familial adenomatous polyposis; FAP type 2; Adenomas, multiple colorectal; MYH-associated polyposis; MUTYH Polyposis. Identifiers: Orphanet 220460, Orphanet 247798, MedGen C3272841, MONDO:0012041, OMIM 608456.
Hereditary cancer-predisposing syndrome. Also called: Hereditary Cancer Syndrome; Hereditary neoplastic syndrome; Neoplastic Syndromes, Hereditary; Tumor predisposition. Identifiers: Orphanet 140162, MedGen C0027672, MeSH D009386, MONDO:0015356.

Submissions (2):

Labcorp Genetics (formerly Invitae), Labcorp
Classification: Uncertain significance for Familial adenomatous polyposis 2. Last evaluated: 2025-12-06. Review status: criteria provided, single submitter. Criteria: Invitae Variant Classification Sherloc (09022015). Collection method: clinical testing. Allele origin: germline.
Comment: This sequence change replaces tryptophan, which is neutral and slightly polar, with arginine, which is basic and polar, at codon 409 of the MUTYH protein (p.Trp409Arg). This variant is not present in population databases (gnomAD no frequency). This variant has not been reported in the literature in individuals affected with MUTYH-related conditions. ClinVar contains an entry for this variant (Variation ID: 1754203). An algorithm developed to predict the effect of missense changes on protein structure and function (PolyPhen-2) suggests that this variant is likely to be tolerated. In summary, the available evidence is currently insufficient to determine the role of this variant in disease. Therefore, it has been classified as a Variant of Uncertain Significance.

Ambry Genetics
Classification: Benign for Hereditary cancer-predisposing syndrome. Last evaluated: 2025-09-09. Review status: criteria provided, single submitter. Criteria: Ambry Variant Classification Scheme 2023. Collection method: clinical testing. Allele origin: germline.